The following is an entry in ClinVar:

ClinVar aggregate classification (germline): Uncertain significance (1 of 4 stars; one submission).

Allele frequency attached by ClinVar (database versions not stated): gnomAD exomes below 0.00001 and 0.00001; ExAC 0.00001.
gnomAD v4.1: 2 of 1,614,104 alleles (0.00012%); highest among the groups gnomAD compares: Admixed American, 0.0017%; no homozygotes.

Submission:

Labcorp Genetics (formerly Invitae), Labcorp
Classification: Uncertain significance. Last evaluated: 2023-12-11. Review status: criteria provided, single submitter. Criteria: Invitae Variant Classification Sherloc (09022015). Collection method: clinical testing. Allele origin: germline.
Comment: This sequence change replaces lysine, which is basic and polar, with threonine, which is neutral and polar, at codon 3013 of the DNAH9 protein (p.Lys3013Thr). This variant is present in population databases (rs763573332, gnomAD 0.006%). This variant has not been reported in the literature in individuals affected with DNAH9-related conditions. ClinVar contains an entry for this variant (Variation ID: 1484918). Advanced modeling of protein sequence and biophysical properties (such as structural, functional, and spatial information, amino acid conservation, physicochemical variation, residue mobility, and thermodynamic stability) performed at Invitae indicates that this missense variant is not expected to disrupt DNAH9 protein function with a negative predictive value of 80%. In summary, the available evidence is currently insufficient to determine the role of this variant in disease. Therefore, it has been classified as a Variant of Uncertain Significance.

NM_001372.4(DNAH9):c.9038A>C (p.Lys3013Thr)

Gene: DNAH9 (dynein axonemal heavy chain 9; plus strand). Cytogenetic location: 17p12.
Variant type: single nucleotide variant.
Coding change: c.9038A>C on transcript NM_001372.4 (MANE Select); coding-DNA position 9038, A replaced by C.
Protein change: p.Lys3013Thr; replaces lysine 3013 with threonine.
Molecular consequence: missense variant.
Genome position (GRCh38, 1-based): chr17:11,822,826, A>C. VCF-style: chr17-11822826-A-C. GRCh37 (hg19) VCF-style: chr17-11726143-A-C.
Other names: short protein forms K3013T.
Identifiers: ClinVar variation 1484918 (VCV001484918.6), dbSNP rs763573332, ClinGen allele CA8397125.
Genomic context (GRCh38, chr17:11,822,826, plus strand): 5'-AGATAATCTTTTCATTTCTTGCTCTTTGGTTTTAGCCCACAGTAAAGCAGTCGATTAGCA[A>C]ATTCATGGCCTTTGTCCACACAAGTGTCAACCAAACATCCCAGTCTTATCTGAGCAATGA-3'
Protein context (NP_001363.2, residues 3003-3023): IEPTVKQSIS[Lys3013Thr]FMAFVHTSVN